The following is an entry in ClinVar:

ClinVar aggregate classification (germline): Uncertain significance (1 of 4 stars; one submission).

Conditions:
Inborn genetic diseases. Identifiers: MedGen C0950123, MeSH D030342.

gnomAD v4.1: 1 of 1,602,972 alleles (0.000062%); highest among the groups gnomAD compares: Non-Finnish European, 0.000085%; no homozygotes.

Submission:

Ambry Genetics
Classification: Uncertain significance for Inborn genetic diseases. Last evaluated: 2026-04-09. Review status: criteria provided, single submitter. Criteria: Ambry Variant Classification Scheme 2023. Collection method: clinical testing. Allele origin: germline.
Comment: The p.F558S variant (also known as c.1673T>C), located in coding exon 14 of the DNMT3A gene, results from a T to C substitution at nucleotide position 1673. The phenylalanine at codon 558 is replaced by serine, an amino acid with highly dissimilar properties. This amino acid position is conserved. In addition, this alteration is predicted to be deleterious by in silico analysis. Based on the available evidence, the clinical significance of this variant remains unclear.

NM_022552.5(DNMT3A):c.1673T>C (p.Phe558Ser)

Gene: DNMT3A (DNA methyltransferase 3 alpha; minus strand). Cytogenetic location: 2p23.3.
Variant type: single nucleotide variant.
Coding change: c.1673T>C on transcript NM_022552.5 (MANE Select); coding-DNA position 1673, T replaced by C.
Protein change: p.Phe558Ser; replaces phenylalanine 558 with serine.
Molecular consequence: missense variant. On other transcripts: non-coding transcript variant (1).
Genome position (GRCh38, 1-based): chr2:25,244,333, A>G on the plus strand (T>C on the coding strand, the complement: DNMT3A is on the minus strand). VCF-style: chr2-25244333-A-G. GRCh37 (hg19) VCF-style: chr2-25467202-A-G.
Other names: c.1217T>C, p.Phe406Ser (NM_001320893.1); c.1004T>C, p.Phe335Ser (NM_001375819.1); c.1106T>C, p.Phe369Ser (NM_153759.3); c.1673T>C, p.Phe558Ser (NM_175629.2); short protein forms F335S, F369S, F406S, F558S.
Identifiers: ClinVar variation 4870003 (VCV004870003.1).